The following is an entry in ClinVar:

NM_014336.5(AIPL1):c.286G>A (p.Val96Ile)

Gene: AIPL1 (AIP like 1 HSP90 co-chaperone; minus strand). Cytogenetic location: 17p13.2.
Variant type: single nucleotide variant.
Coding change: c.286G>A on transcript NM_014336.5 (MANE Select); coding-DNA position 286, G replaced by A.
Protein change: p.Val96Ile; replaces valine 96 with isoleucine.
Molecular consequence: missense variant. On other transcripts: intron variant (1).
Genome position (GRCh38, 1-based): chr17:6,428,497, C>T on the plus strand (G>A on the coding strand, the complement: AIPL1 is on the minus strand). VCF-style: chr17-6428497-C-T. GRCh37 (hg19) VCF-style: chr17-6331817-C-T.
Other names: NM_014336.5(AIPL1):c.286G>A; c.106G>A, p.Val36Ile (NM_001033055.3); c.250G>A, p.Val84Ile (NM_001285399.3); c.220G>A, p.Val74Ile (NM_001285400.3); c.286G>A, p.Val96Ile (NM_001285401.3, NM_001285403.4); c.169G>A, p.Val57Ile (NM_001285402.2); c.277-1440G>A (NM_001033054.3); short protein forms V96I, V84I, V36I, V57I, V74I.
Identifiers: ClinVar variation 99800 (VCV000099800.59), dbSNP rs62619924, ClinGen allele CA179713.
Genomic context (GRCh38, chr17:6,428,497, plus strand): 5'-ACTCTGTGGGGTCCTTGCCCTGGGCCATCTGCCTCAGGCTCCGGGATAGGATGGGGTAGA[C>T]CCCCGTGTGCTGTGGGGATAAACGGATGGATGGCATCCAGGCTACCTGCCCAGAGCTAGG-3'
Protein context (NP_055151.3, residues 86-106): EFWCDTIHTG[Val96Ile]YPILSRSLRQ

ClinVar aggregate classification (germline): Benign. Review status: reviewed by expert panel (3 of 4 stars). 13 submissions from 13 submitters: Benign (1). 12 of the submissions do not count toward it. Last evaluated 2025-09-29.

Conditions:
AIPL1-related retinopathy. Also called: AIPL1 retinopathy. Identifiers: MedGen CN305590, MONDO:0100438.
Retinitis pigmentosa (RP). Identifiers: Orphanet 791, MedGen C0035334, MeSH D012174, MONDO:0019200, OMIM 268000. Inheritance: Autosomal dominant, autosomal recessive and X linked inheritance.
Leber congenital amaurosis 4 (LCA4). Identifiers: MedGen C1858386, MONDO:0011458, OMIM 604393.
Lissencephaly due to TUBA1A mutation (CDCBM16). Also called: CORTICAL DYSPLASIA, COMPLEX, WITH OTHER BRAIN MALFORMATIONS 16; Lissencephaly 3. Identifiers: Orphanet 171680, MedGen C4305153, MONDO:0012703, OMIM 611603.

Allele frequency attached by ClinVar (database versions not stated): ExAC 0.01431; 1000 Genomes Project 0.00439; TOPMed 0.01185; 1000 Genomes Project 30x 0.00437; gnomAD exomes 0.01285 and 0.01974; ESP Exome Variant Server 0.01668.
gnomAD v4.1: 30,595 of 1,613,566 alleles (1.9%); highest among the groups gnomAD compares: Non-Finnish European, 2.4%; 382 homozygotes.

Submissions (13):

ClinGen Leber Congenital Amaurosis/early Onset Retinal Dystrophy Variant Curation Expert Panel, ClinGen
Classification: Benign for AIPL1-related retinopathy. Last evaluated: 2025-09-29. Review status: reviewed by expert panel. Criteria: ClinGen LCAeoRD ACMG Specifications AIPL1 V1.0.0. Collection method: curation. Allele origin: germline. Inheritance: Autosomal recessive inheritance.
Comment: NM_014336.5(AIPL1):c.286G>A (p.Val96Ile) is a missense variant in exon 3 of 6 predicted to replace valine with isoleucine at amino acid p.96. This variant is present in gnomAD v.4.1.0 at a GrpMax allele frequency of 0.02348, with 27,980 alleles / 1,179,700 total alleles in the European (non-Finnish) population, which is higher than the ClinGen LCA/eoRD VCEP BA1 threshold of >0.0057. (BA1). Additionally, the variant has been found in the homozygous state in 382 adult individuals in gnomAD which exceeds the LCA/eoRD VCEP threshold of ≥6 (gnomAD version 4.1.0; BS2). The computational predictor REVEL gives a score of 0.255, which is below the ClinGen LCA/eoRD VCEP threshold of ≤0.290 and predicts a non-damaging effect on AIPL1 protein function. In addition, the splicing impact predictor SpliceAI gives a delta score of 0.01, which is below the ClinGen LCA/eoRD VCEP recommended threshold of <0.1 and does not predict an impact on splicing (BP4). In summary, this variant meets the criteria to be classified as Benign for AIPL1-related retinopathy based on the ACMG/AMP criteria applied, as specified by the ClinGen LCA/eoRD VCEP: BA1, BS2, and BP4. (VCEP specifications version 1.0.0; date of approval 09/24/2025).

CeGaT Center for Human Genetics Tuebingen
Classification: Benign. Last evaluated: 2026-06-01. Review status: criteria provided, single submitter. Criteria: CeGaT Center For Human Genetics Tuebingen Variant Classification Criteria Version 2. Collection method: clinical testing. Allele origin: germline. Affected: yes. Observed: 14 variant alleles. Not counted in ClinVar's aggregate classification.
Comment: AIPL1: BP4, BS1, BS2

Labcorp Genetics (formerly Invitae), Labcorp
Classification: Benign for Leber congenital amaurosis 4. Last evaluated: 2026-02-04. Review status: criteria provided, single submitter. Criteria: Invitae Variant Classification Sherloc (09022015). Collection method: clinical testing. Allele origin: germline. Not counted in ClinVar's aggregate classification.

ARUP Laboratories, Molecular Genetics and Genomics, ARUP Laboratories
Classification: Benign. Last evaluated: 2023-10-26. Review status: criteria provided, single submitter. Criteria: ARUP Molecular Germline Variant Investigation Process 2024. Collection method: clinical testing. Allele origin: germline. Not counted in ClinVar's aggregate classification.

Women's Health and Genetics/Laboratory Corporation of America, LabCorp
Classification: Likely benign. Last evaluated: 2022-05-03. Review status: criteria provided, single submitter. Criteria: LabCorp Variant Classification Summary - May 2015. Collection method: clinical testing. Allele origin: germline. Not counted in ClinVar's aggregate classification.

Fulgent Genetics
Classification: Benign for Retinitis pigmentosa; Leber congenital amaurosis 4. Last evaluated: 2022-04-13. Review status: criteria provided, single submitter. Criteria: ACMG Guidelines, 2015. Collection method: clinical testing. Allele origin: unknown. Not counted in ClinVar's aggregate classification.

GeneDx
Classification: Benign. Last evaluated: 2018-11-05. Review status: criteria provided, single submitter. Criteria: GeneDx Variant Classification Process June 2021. Collection method: clinical testing. Allele origin: germline. Affected: yes. Not counted in ClinVar's aggregate classification.
Comment: This variant is associated with the following publications: (PMID: 22412862, 20981092, 17964524, 16272259, 15249368, 22334370, 10873396, 12374762, 27268253, 27535533, 26626312, 28939106)

Illumina Laboratory Services, Illumina
Classification: Likely benign for Leber congenital amaurosis 4. Last evaluated: 2017-04-27. Review status: criteria provided, single submitter. Criteria: ICSL Variant Classification Criteria 13 December 2019. Collection method: clinical testing. Allele origin: germline. Not counted in ClinVar's aggregate classification.
Comment: This variant was observed as part of a predisposition screen in an ostensibly healthy population. A literature search was performed for the gene, cDNA change, and amino acid change (where applicable). Publications were found based on this search. The evidence from the literature, in combination with allele frequency data from public databases where available, was sufficient to determine this variant is unlikely to cause disease. Therefore, this variant is classified as likely benign.

Eurofins Ntd Llc (ga)
Classification: Benign. Last evaluated: 2014-01-30. Review status: criteria provided, single submitter. Criteria: EGL Classification Definitions 2015. Collection method: clinical testing. Allele origin: germline. Observed: 2 variant alleles, 2 heterozygotes. Not counted in ClinVar's aggregate classification.

Breakthrough Genomics
Classification: Likely benign. Review status: criteria provided, single submitter. Criteria: ACMG Guidelines, 2015. Collection method: not provided. Allele origin: germline. Inheritance: Autosomal recessive inheritance. Affected: yes. Not counted in ClinVar's aggregate classification.

Broad Center for Mendelian Genomics, Broad Institute of MIT and Harvard
Classification: Benign for Lissencephaly due to TUBA1A mutation. Review status: criteria provided, single submitter. Criteria: ACMG Guidelines, 2015. Collection method: research. Allele origin: germline. Inheritance: Autosomal recessive inheritance. Affected: yes. Not counted in ClinVar's aggregate classification.
Comment: The heterozygous p.Val96Ile variant in AIPL1 has been identified in an individual with Leber congenital amaurosis (PMID: 10873396), but has also been identified in >2% of European (non-Finnish) chromosomes and 19 homozygotes by ExAC. In summary, this variant meets criteria to be classified as benign for autosomal recessive Leber congenital amaurosis.

PreventionGenetics, part of Exact Sciences
Classification: Benign. Review status: criteria provided, single submitter. Criteria: ACMG Guidelines, 2015. Collection method: clinical testing. Allele origin: germline. Not counted in ClinVar's aggregate classification.

Retina International
No classification provided. Review status: no classification provided. Collection method: not provided. Allele origin: unknown. Not counted in ClinVar's aggregate classification.

Literature cited by the submitters: PubMed 22412862 (cited by Illumina Laboratory Services, Illumina); PubMed 10873396 (cited by Illumina Laboratory Services, Illumina).